The following is an entry in ClinVar:

NM_004181.5(UCHL1):c.326-4dup

Gene: UCHL1 (ubiquitin C-terminal hydrolase L1; plus strand). Cytogenetic location: 4p13.
Variant type: Duplication.
Coding change: c.326-4dup on transcript NM_004181.5 (MANE Select); 4 bases into the intron before coding-DNA position 326, one base duplicated (T; older notation c.326-4dupT).
Molecular consequence: intron variant.
Genome position (GRCh38, 1-based): chr4:41,261,711, T duplicated; the last of 10 consecutive T bases (chr4:41,261,702-41,261,711); duplicating any one gives the same sequence. VCF-style (leftmost placement, unchanged base first): chr4-41261701-A-AT. GRCh37 (hg19) VCF-style: chr4-41263718-A-AT.
Other names: c.326-4dupT (NM_004181.5).
Identifiers: ClinVar variation 1209897 (VCV001209897.20), dbSNP rs3214812, ClinGen allele CA2899985.
Genomic context (GRCh38, chr4:41,261,701, plus strand): 5'-GGCTTAAGTCAACAATAAATATGTACCCACTTGTATTATTTTACCTATACTAACACATCC[A>AT]TTTTTTTTTTAAGAGGATGGATCAGTTCTGAAACAGTTTCTTTCTGAAACAGAGAAAATG-3'

ClinVar aggregate classification (germline): Benign. Review status: criteria provided, multiple submitters, no conflicts (2 of 4 stars). 6 submissions from 6 submitters: Benign (4). 2 of the submissions do not count toward it. Last evaluated 2026-02-03.

Conditions:
Early-onset progressive neurodegeneration-blindness-ataxia-spasticity syndrome. Also called: SPASTIC PARAPLEGIA 79B, AUTOSOMAL RECESSIVE; Spastic paraplegia 79, autosomal recessive. Identifiers: Orphanet 352654, MedGen C3809665, MONDO:0014209, OMIM 615491.

Submissions (6):

Labcorp Genetics (formerly Invitae), Labcorp
Classification: Benign. Last evaluated: 2026-02-03. Review status: criteria provided, single submitter. Criteria: Invitae Variant Classification Sherloc (09022015). Collection method: clinical testing. Allele origin: germline.

Blueprint Genetics
Classification: Benign. Last evaluated: 2024-11-26. Review status: criteria provided, single submitter. Criteria: ACMG Guidelines, 2015. Collection method: clinical testing. Allele origin: germline.

Molecular Genetics, Royal Melbourne Hospital
Classification: Benign for Early-onset progressive neurodegeneration-blindness-ataxia-spasticity syndrome. Last evaluated: 2021-10-04. Review status: criteria provided, single submitter. Criteria: ACMG Guidelines, 2015. Collection method: clinical testing. Allele origin: germline. Affected: no.
Comment: Population allele frequency of 30.7% (rs3214812, 70,785/230,740 alleles in gnomAD v2.1). Based on the classification scheme RMH ACMG Guidelines v1.1.1 this variant is classified as Benign. Following criteria met: BA1.

GeneDx
Classification: Benign. Last evaluated: 2021-05-26. Review status: criteria provided, single submitter. Criteria: GeneDx Variant Classification Process June 2021. Collection method: clinical testing. Allele origin: germline. Affected: yes.

Clinical Genetics DNA and cytogenetics Diagnostics Lab, Erasmus MC, Erasmus Medical Center
Classification: Benign. Review status: no assertion criteria provided. Collection method: clinical testing. Allele origin: germline. Affected: yes. Study: VKGL Data-share Consensus. Not counted in ClinVar's aggregate classification.

Genome Diagnostics Laboratory, Amsterdam University Medical Center
Classification: Likely benign. Review status: no assertion criteria provided. Collection method: clinical testing. Allele origin: germline. Affected: yes. Study: VKGL Data-share Consensus. Not counted in ClinVar's aggregate classification.